The following is an entry in ClinVar:

NM_002471.4(MYH6):c.2999C>T (p.Ala1000Val)

Gene: MYH6 (myosin heavy chain 6; minus strand). Cytogenetic location: 14q11.2.
Variant type: single nucleotide variant.
Coding change: c.2999C>T on transcript NM_002471.4 (MANE Select); coding-DNA position 2999, C replaced by T.
Protein change: p.Ala1000Val; replaces alanine 1000 with valine.
Molecular consequence: missense variant.
Genome position (GRCh38, 1-based): chr14:23,393,448, G>A on the plus strand (C>T on the coding strand, the complement: MYH6 is on the minus strand). VCF-style: chr14-23393448-G-A. GRCh37 (hg19) VCF-style: chr14-23862657-G-A.
Other names: short protein forms A1000V.
Identifiers: ClinVar variation 2567201 (VCV002567201.2), dbSNP rs1204356388, ClinGen allele CA389010976.
Genomic context (GRCh38, chr14:23,393,448, plus strand): 5'-TTGACCTTGTCTTCCTCAACCTGAAGGTCATCCAGGGCCTGCTGATGGGCCTCTTGTAGA[G>A]CTTTCTTCTCCTTGGTCAGCTTAGCGATGATTTCATCCAGCCCAGCCATCTCCTCTGTTA-3'
Protein context (NP_002462.2, residues 990-1010): IIAKLTKEKK[Ala1000Val]LQEAHQQALD

ClinVar aggregate classification (germline): Uncertain significance (1 of 4 stars; one submission).

Conditions:
Cardiovascular phenotype. Identifiers: MedGen CN230736.

gnomAD v4.1: 5 of 1,614,120 alleles (0.00031%); highest among the groups gnomAD compares: South Asian, 0.0033%; no homozygotes.

Submission:

Ambry Genetics
Classification: Uncertain significance for Cardiovascular phenotype. Last evaluated: 2023-04-03. Review status: criteria provided, single submitter. Criteria: Ambry Variant Classification Scheme 2023. Collection method: clinical testing. Allele origin: germline.
Comment: The p.A1000V variant (also known as c.2999C>T), located in coding exon 21 of the MYH6 gene, results from a C to T substitution at nucleotide position 2999. The alanine at codon 1000 is replaced by valine, an amino acid with similar properties. This amino acid position is conserved. In addition, the in silico prediction for this alteration is inconclusive. Since supporting evidence is limited at this time, the clinical significance of this alteration remains unclear.